The following is an entry in ClinVar:

NM_004153.4(ORC1):c.1271A>T (p.Glu424Val)

Gene: ORC1 (origin recognition complex subunit 1; minus strand). Cytogenetic location: 1p32.3.
Variant type: single nucleotide variant.
Coding change: c.1271A>T on transcript NM_004153.4 (MANE Select); coding-DNA position 1271, A replaced by T.
Protein change: p.Glu424Val; replaces glutamic acid 424 with valine.
Molecular consequence: missense variant.
Genome position (GRCh38, 1-based): chr1:52,388,554, T>A on the plus strand (A>T on the coding strand, the complement: ORC1 is on the minus strand). VCF-style: chr1-52388554-T-A. GRCh37 (hg19) VCF-style: chr1-52854226-T-A.
Other names: c.1271A>T, p.Glu424Val (NM_001190818.2, NM_001190819.2); short protein forms E424V.
Identifiers: ClinVar variation 4743438 (VCV004743438.1).
Genomic context (GRCh38, chr1:52,388,554, plus strand): 5'-CGCAGGTTCCTGGACACAGTTCTGGGTGCTCTCCTTGGAAGGGGCGGTGTGGAAGCCTCT[T>A]CTTCGTCACTGCTAGAGTCTGAAATCTCTGCTGCTGGCAGAATCTCTTTCTCTTCTTGGT-3'
Protein context (NP_004144.2, residues 414-434): AEISDSSSDE[Glu424Val]EASTPPLPRR

ClinVar aggregate classification (germline): Uncertain significance (1 of 4 stars; one submission).

gnomAD v4.1: 1 of 1,614,146 alleles (0.000062%); highest among the groups gnomAD compares: Non-Finnish European, 0.000085%; no homozygotes.

Submission:

Labcorp Genetics (formerly Invitae), Labcorp
Classification: Uncertain significance. Last evaluated: 2025-04-02. Review status: criteria provided, single submitter. Criteria: Invitae Variant Classification Sherloc (09022015). Collection method: clinical testing. Allele origin: germline.
Comment: This sequence change replaces glutamic acid, which is acidic and polar, with valine, which is neutral and non-polar, at codon 424 of the ORC1 protein (p.Glu424Val). This variant is present in population databases (rs752888915, gnomAD 0.0009%). This variant has not been reported in the literature in individuals affected with ORC1-related conditions. Invitae Evidence Modeling of protein sequence and biophysical properties (such as structural, functional, and spatial information, amino acid conservation, physicochemical variation, residue mobility, and thermodynamic stability) indicates that this missense variant is expected to disrupt ORC1 protein function with a positive predictive value of 80%. Algorithms developed to predict the effect of sequence changes on RNA splicing suggest that this variant may disrupt the consensus splice site. In summary, the available evidence is currently insufficient to determine the role of this variant in disease. Therefore, it has been classified as a Variant of Uncertain Significance.